The following is an entry in ClinVar:

ClinVar aggregate classification (germline): Uncertain significance (1 of 4 stars; one submission).

Submission:

Labcorp Genetics (formerly Invitae), Labcorp
Classification: Uncertain significance. Last evaluated: 2022-11-22. Review status: criteria provided, single submitter. Criteria: Invitae Variant Classification Sherloc (09022015). Collection method: clinical testing. Allele origin: germline.
Comment: In summary, the available evidence is currently insufficient to determine the role of this variant in disease. Therefore, it has been classified as a Variant of Uncertain Significance. Algorithms developed to predict the effect of sequence changes on RNA splicing suggest that this variant may disrupt the consensus splice site. Advanced modeling of protein sequence and biophysical properties (such as structural, functional, and spatial information, amino acid conservation, physicochemical variation, residue mobility, and thermodynamic stability) performed at Invitae indicates that this missense variant is not expected to disrupt COL11A1 protein function. ClinVar contains an entry for this variant (Variation ID: 1480807). This variant has not been reported in the literature in individuals affected with COL11A1-related conditions. This variant is not present in population databases (gnomAD no frequency). This sequence change replaces proline, which is neutral and non-polar, with leucine, which is neutral and non-polar, at codon 663 of the COL11A1 protein (p.Pro663Leu).

NM_001854.4(COL11A1):c.1988C>T (p.Pro663Leu)

Gene: COL11A1 (collagen type XI alpha 1 chain; minus strand). Cytogenetic location: 1p21.1.
Variant type: single nucleotide variant.
Coding change: c.1988C>T on transcript NM_001854.4 (MANE Select); coding-DNA position 1988, C replaced by T.
Protein change: p.Pro663Leu; replaces proline 663 with leucine.
Molecular consequence: missense variant. On other transcripts: non-coding transcript variant (1).
Genome position (GRCh38, 1-based): chr1:103,003,225, G>A on the plus strand (C>T on the coding strand, the complement: COL11A1 is on the minus strand). VCF-style: chr1-103003225-G-A. GRCh37 (hg19) VCF-style: chr1-103468781-G-A.
Other names: c.1871C>T, p.Pro624Leu (NM_001190709.2); c.2024C>T, p.Pro675Leu (NM_080629.3); c.1640C>T, p.Pro547Leu (NM_080630.4); short protein forms P547L, P624L, P663L, P675L.
Identifiers: ClinVar variation 1480807 (VCV001480807.6), dbSNP rs1377533345, ClinGen allele CA341171649.